The following is an entry in ClinVar:

NM_014727.3(KMT2B):c.346G>T (p.Gly116Trp)

Gene: KMT2B (lysine methyltransferase 2B; plus strand). Cytogenetic location: 19q13.12.
Variant type: single nucleotide variant.
Coding change: c.346G>T on transcript NM_014727.3 (MANE Select); coding-DNA position 346, G replaced by T.
Protein change: p.Gly116Trp; replaces glycine 116 with tryptophan.
Molecular consequence: missense variant.
Genome position (GRCh38, 1-based): chr19:35,718,364, G>T. VCF-style: chr19-35718364-G-T. GRCh37 (hg19) VCF-style: chr19-36209266-G-T.
Other names: short protein forms G116W.
Identifiers: ClinVar variation 1703936 (VCV001703936.2), dbSNP rs567380494, ClinGen allele CA307780125.

ClinVar aggregate classification (germline): Uncertain significance (1 of 4 stars; one submission).

Allele frequency attached by ClinVar (database versions not stated): gnomAD 0.00002; 1000 Genomes Project 30x 0.00016; 1000 Genomes Project 0.00020.

Submission:

GeneDx
Classification: Uncertain significance. Last evaluated: 2022-03-04. Review status: criteria provided, single submitter. Criteria: GeneDx Variant Classification Process June 2021. Collection method: clinical testing. Allele origin: germline. Affected: yes.
Comment: Not observed at significant frequency in large population cohorts (gnomAD); In silico analysis supports that this missense variant does not alter protein structure/function; Has not been previously published as pathogenic or benign to our knowledge